The following is an entry in ClinVar:

ClinVar aggregate classification (germline): Uncertain significance. Review status: criteria provided, single submitter (1 of 4 stars). 2 submissions from 2 submitters: Uncertain significance (1). 1 of the submissions does not count toward it. Last evaluated 2022-12-06.

Conditions:
CFTR-related disorder (CFTR-RD). Also called: CFTR-related disorders; CFTR-related condition. Identifiers: MedGen C5924204, MONDO:7770004.
Cystic fibrosis (CF). Also called: MUCOVISCIDOSIS. Identifiers: Orphanet 586, MedGen C0010674, MONDO:0009061, OMIM 219700. Disease mechanism: loss of function.

Submissions (2):

Labcorp Genetics (formerly Invitae), Labcorp
Classification: Uncertain significance for Cystic fibrosis. Last evaluated: 2022-12-06. Review status: criteria provided, single submitter. Criteria: Invitae Variant Classification Sherloc (09022015). Collection method: clinical testing. Allele origin: germline.
Comment: In summary, the available evidence is currently insufficient to determine the role of this variant in disease. Therefore, it has been classified as a Variant of Uncertain Significance. Algorithms developed to predict the effect of sequence changes on RNA splicing suggest that this variant may disrupt the consensus splice site. Algorithms developed to predict the effect of missense changes on protein structure and function (SIFT, PolyPhen-2, Align-GVGD) all suggest that this variant is likely to be tolerated. ClinVar contains an entry for this variant (Variation ID: 966693). This variant has not been reported in the literature in individuals affected with CFTR-related conditions. This variant is not present in population databases (gnomAD no frequency). This sequence change replaces phenylalanine, which is neutral and non-polar, with leucine, which is neutral and non-polar, at codon 429 of the CFTR protein (p.Phe429Leu).

Natera, Inc.
Classification: Uncertain significance for CFTR-related disorders. Last evaluated: 2021-02-08. Review status: no assertion criteria provided. Collection method: clinical testing. Allele origin: germline. Not counted in ClinVar's aggregate classification.

NM_000492.4(CFTR):c.1287C>A (p.Phe429Leu)

Genes: CFTR (CF transmembrane conductance regulator; plus strand), CFTR-AS1 (CFTR antisense RNA 1; minus strand). Cytogenetic location: 7q31.2.
Variant type: single nucleotide variant.
Coding change: c.1287C>A on transcript NM_000492.4 (MANE Select); coding-DNA position 1287, C replaced by A.
Protein change: p.Phe429Leu; replaces phenylalanine 429 with leucine.
Molecular consequence: missense variant.
Genome position (GRCh38, 1-based): chr7:117,548,718, C>A. VCF-style: chr7-117548718-C-A. GRCh37 (hg19) VCF-style: chr7-117188772-C-A.
Other names: short protein forms F429L.
Identifiers: ClinVar variation 966693 (VCV000966693.10), dbSNP rs763577850, ClinGen allele CA368981671.